The following is an entry in ClinVar:

ClinVar aggregate classification (germline): Uncertain significance (1 of 4 stars; one submission).

Allele frequency attached by ClinVar (database versions not stated): gnomAD 0.00001.
gnomAD v4.1: 25 of 1,551,576 alleles (0.0016%); highest among the groups gnomAD compares: Admixed American, 0.002%; no homozygotes.

Submission:

Labcorp Genetics (formerly Invitae), Labcorp
Classification: Uncertain significance. Last evaluated: 2021-12-23. Review status: criteria provided, single submitter. Criteria: Invitae Variant Classification Sherloc (09022015). Collection method: clinical testing. Allele origin: germline.
Comment: In summary, the available evidence is currently insufficient to determine the role of this variant in disease. Therefore, it has been classified as a Variant of Uncertain Significance. Algorithms developed to predict the effect of missense changes on protein structure and function output the following: SIFT: "Deleterious"; PolyPhen-2: "Benign"; Align-GVGD: "Class C0". The cysteine amino acid residue is found in multiple mammalian species, which suggests that this missense change does not adversely affect protein function. This variant has not been reported in the literature in individuals affected with FAM65B-related conditions. This variant is present in population databases (no rsID available, gnomAD 0.01%). This sequence change replaces arginine, which is basic and polar, with cysteine, which is neutral and slightly polar, at codon 390 of the FAM65B protein (p.Arg390Cys).

NM_001286445.3(RIPOR2):c.1164+424C>T

Gene: RIPOR2 (RHO family interacting cell polarization regulator 2; minus strand). Cytogenetic location: 6p22.3.
Variant type: single nucleotide variant.
Coding change: c.1164+424C>T on transcript NM_001286445.3 (MANE Select); 424 bases into the intron after coding-DNA position 1164, C replaced by T.
Molecular consequence: intron variant. On other transcripts: missense variant (1).
Genome position (GRCh38, 1-based): chr6:24,847,601, G>A on the plus strand (C>T on the coding strand, the complement: RIPOR2 is on the minus strand). VCF-style: chr6-24847601-G-A. GRCh37 (hg19) VCF-style: chr6-24847829-G-A.
Other names: c.1168C>T, p.Arg390Cys (NM_014722.5); c.1077+424C>T (NM_001346031.2, NM_001346032.2, NM_015864.5 and 1 more transcripts); c.1179+424C>T (NM_001286446.3); short protein forms R390C.
Identifiers: ClinVar variation 1975378 (VCV001975378.5), dbSNP rs1282854480, ClinGen allele CA362995047.